The following is an entry in ClinVar:

ClinVar aggregate classification (germline): Conflicting classifications of pathogenicity. Review status: criteria provided, conflicting classifications (1 of 4 stars). 2 submissions from 2 submitters: Uncertain significance (1); Likely benign (1). Last evaluated 2024-05-01.

Conditions:
Autosomal recessive juvenile Parkinson disease 2. Also called: Parkinson disease autosomal recessive, early onset; Juvenile parkinsonism; Parkinsonism, early onset, with diurnal fluctuation; PRKN-Related Early-Onset Parkinson Disease; PARKINSON DISEASE, JUVENILE, AUTOSOMAL RECESSIVE; Parkinson disease, juvenile, type 2. Identifiers: Orphanet 2828, MedGen C1868675, MONDO:0010820, OMIM 600116.

Allele frequency attached by ClinVar (database versions not stated): ESP Exome Variant Server 0.00015; 1000 Genomes Project 0.00060; 1000 Genomes Project 30x 0.00078; TOPMed 0.00010.
gnomAD v4.1: 294 of 1,613,346 alleles (0.018%); highest among the groups gnomAD compares: South Asian, 0.18%; 4 homozygotes.

Submissions (2):

Labcorp Genetics (formerly Invitae), Labcorp
Classification: Likely benign. Last evaluated: 2024-05-01. Review status: criteria provided, single submitter. Criteria: Invitae Variant Classification Sherloc (09022015). Collection method: clinical testing. Allele origin: germline.

Illumina Laboratory Services, Illumina
Classification: Uncertain significance for Autosomal recessive juvenile Parkinson disease 2. Last evaluated: 2017-04-28. Review status: criteria provided, single submitter. Criteria: ICSL Variant Classification Criteria 13 December 2019. Collection method: clinical testing. Allele origin: germline.
Comment: This variant was observed as part of a predisposition screen in an ostensibly healthy population. A literature search was performed for the gene, cDNA change, and amino acid change (where applicable). Publications were found based on this search. However, the evidence from the literature, in combination with allele frequency data from public databases where available, was not sufficient to rule this variant in or out of causing disease. Therefore, this variant is classified as a variant of unknown significance.

Literature cited by the submitters: PubMed 16793319 (cited by Illumina Laboratory Services, Illumina); PubMed 16227559 (cited by Illumina Laboratory Services, Illumina).

NM_004562.3(PRKN):c.125G>A (p.Arg42His)

Gene: PRKN (parkin RBR E3 ubiquitin protein ligase; minus strand). Cytogenetic location: 6q26.
Variant type: single nucleotide variant.
Coding change: c.125G>A on transcript NM_004562.3 (MANE Select); coding-DNA position 125, G replaced by A.
Protein change: p.Arg42His; replaces arginine 42 with histidine.
Molecular consequence: missense variant.
Genome position (GRCh38, 1-based): chr6:162,443,356, C>T on the plus strand (G>A on the coding strand, the complement: PRKN is on the minus strand). VCF-style: chr6-162443356-C-T. GRCh37 (hg19) VCF-style: chr6-162864388-C-T.
Other names: c.125G>A, p.Arg42His (NM_013987.3, NM_013988.3); short protein forms R42H.
Identifiers: ClinVar variation 409268 (VCV000409268.14), dbSNP rs368134308, ClinGen allele CA4090504.